The following is an entry in ClinVar:

NM_032119.4(ADGRV1):c.5525-7C>T

Gene: ADGRV1 (adhesion G protein-coupled receptor V1; plus strand). Cytogenetic location: 5q14.3.
Variant type: single nucleotide variant.
Coding change: c.5525-7C>T on transcript NM_032119.4 (MANE Select); 7 bases into the intron before coding-DNA position 5525, C replaced by T.
Molecular consequence: intron variant.
Genome position (GRCh38, 1-based): chr5:90,681,308, C>T. VCF-style: chr5-90681308-C-T. GRCh37 (hg19) VCF-style: chr5-89977125-C-T.
Identifiers: ClinVar variation 46337 (VCV000046337.63), dbSNP rs137853919, ClinGen allele CA138146.
Genomic context (GRCh38, chr5:90,681,308, plus strand): 5'-TTTTCTTTGATTTGTAAATTACTGATCATCATTTTTTTTTTCTATTTGTTGGAACTTGTT[C>T]ATGCAGCCAGTCTAGGAGTGGCTTCCCAAATTCTAGTGACAATTGCAGCCTCTGACCACG-3'

ClinVar aggregate classification (germline): Benign/Likely benign. Review status: criteria provided, multiple submitters, no conflicts (2 of 4 stars). 15 submissions from 15 submitters: Benign (6); Likely benign (4). 5 of the submissions do not count toward it. Last evaluated 2026-09-01.

Conditions:
ADGRV1-related disorder. Also called: ADGRV1-related disorders; ADGRV1-related condition.
Usher syndrome type 2C. Also called: Usher syndrome, type 2B; USHER SYNDROME, TYPE IIC. Identifiers: Orphanet 231178, Orphanet 886, MedGen C2931213, MONDO:0011558, OMIM 605472.
Febrile seizures, familial, 4 (FEB4). Also called: CONVULSIONS, FAMILIAL FEBRILE, 4. Identifiers: MedGen C1858493, MONDO:0011443, OMIM 604352.

Allele frequency attached by ClinVar (database versions not stated): ExAC 0.00529; TOPMed 0.00408; gnomAD 0.00429 and 0.00440; 1000 Genomes Project 30x 0.00390; gnomAD exomes 0.00516; 1000 Genomes Project 0.00379; ESP Exome Variant Server 0.00496.
gnomAD v4.1: 9,786 of 1,609,152 alleles (0.61%); highest among the groups gnomAD compares: Middle Eastern, 1.3%; 53 homozygotes.

Submissions (15):

CeGaT Center for Human Genetics Tuebingen
Classification: Benign. Last evaluated: 2026-09-01. Review status: criteria provided, single submitter. Criteria: CeGaT Center For Human Genetics Tuebingen Variant Classification Criteria Version 2. Collection method: clinical testing. Allele origin: germline. Affected: yes. Observed: 26 variant alleles.
Comment: ADGRV1: BP4, BS1, BS2

Labcorp Genetics (formerly Invitae), Labcorp
Classification: Benign. Last evaluated: 2026-02-04. Review status: criteria provided, single submitter. Criteria: Invitae Variant Classification Sherloc (09022015). Collection method: clinical testing. Allele origin: germline.

Fulgent Genetics
Classification: Likely benign for Febrile seizures, familial, 4; Usher syndrome type 2C. Last evaluated: 2022-04-13. Review status: criteria provided, single submitter. Criteria: ACMG Guidelines, 2015. Collection method: clinical testing. Allele origin: unknown.

Athena Diagnostics
Classification: Benign. Last evaluated: 2021-03-16. Review status: criteria provided, single submitter. Criteria: Athena Diagnostics criteria. Collection method: clinical testing. Allele origin: unknown.

Illumina Laboratory Services, Illumina
Classification: Likely benign for Usher syndrome type 2C. Last evaluated: 2018-01-13. Review status: criteria provided, single submitter. Criteria: ICSL Variant Classification Criteria 13 December 2019. Collection method: clinical testing. Allele origin: germline.
Comment: This variant was observed in the ICSL laboratory as part of a predisposition screen in an ostensibly healthy population. It had not been previously curated by ICSL or reported in the Human Gene Mutation Database (HGMD: prior to June 1st, 2018), and was therefore a candidate for classification through an automated scoring system. Utilizing variant allele frequency, disease prevalence and penetrance estimates, and inheritance mode, an automated score was calculated to assess if this variant is too frequent to cause the disease. Based on the score and internal cut-off values, a variant classified as likely benign is not then subjected to further curation. The score for this variant resulted in a classification of likely benign for this disease.

GeneDx
Classification: Benign. Last evaluated: 2015-03-03. Review status: criteria provided, single submitter. Criteria: GeneDx Variant Classification Process June 2021. Collection method: clinical testing. Allele origin: germline. Affected: yes.

Eurofins Ntd Llc (ga)
Classification: Benign. Last evaluated: 2015-01-23. Review status: criteria provided, single submitter. Criteria: EGL Classification Definitions 2015. Collection method: clinical testing. Allele origin: germline. Observed: 2 variant alleles, 2 heterozygotes.

Genetic Services Laboratory, University of Chicago
Classification: Likely benign. Last evaluated: 2013-10-01. Review status: criteria provided, single submitter. Criteria: ACMG Guidelines, 2007. Collection method: clinical testing. Allele origin: germline. Inheritance: Autosomal dominant inheritance.

Laboratory for Molecular Medicine, Mass General Brigham Personalized Medicine
Classification: Benign. Last evaluated: 2012-04-30. Review status: criteria provided, single submitter. Criteria: LMM Criteria. Collection method: clinical testing. Allele origin: germline. Observed: 16 variant alleles.
Comment: 5525-7C>T in intron 26 of GPR98: This variant is not expected to have clinical s ignificance because it has been identified in 0.8% (53/6588) of European America n chromosomes from a broad population by the NHLBI Exome sequencing project (rs141528121).

Breakthrough Genomics
Classification: Likely benign. Review status: criteria provided, single submitter. Criteria: ACMG Guidelines, 2015. Collection method: not provided. Allele origin: germline. Inheritance: Autosomal recessive inheritance. Affected: yes.

PreventionGenetics, part of Exact Sciences
Classification: Benign for ADGRV1-related condition. Last evaluated: 2019-06-20. Review status: no assertion criteria provided. Collection method: clinical testing. Allele origin: germline. Not counted in ClinVar's aggregate classification.
Comment: This variant is classified as benign based on ACMG/AMP sequence variant interpretation guidelines (Richards et al. 2015 PMID: 25741868, with internal and published modifications).

Clinical Genetics DNA and cytogenetics Diagnostics Lab, Erasmus MC, Erasmus Medical Center
Classification: Likely benign. Review status: no assertion criteria provided. Collection method: clinical testing. Allele origin: germline. Affected: yes. Study: VKGL Data-share Consensus. Not counted in ClinVar's aggregate classification.

Clinical Genetics, Academic Medical Center
Classification: Likely benign. Review status: no assertion criteria provided. Collection method: clinical testing. Allele origin: germline. Affected: yes. Study: VKGL Data-share Consensus. Not counted in ClinVar's aggregate classification.

Genome Diagnostics Laboratory, University Medical Center Utrecht
Classification: Benign. Review status: no assertion criteria provided. Collection method: clinical testing. Allele origin: germline. Affected: yes. Study: VKGL Data-share Consensus. Not counted in ClinVar's aggregate classification.

NEI Ophthalmic Genomics Laboratory, National Institutes of Health
No classification provided. Review status: no classification provided. Collection method: not provided. Allele origin: not provided. Not counted in ClinVar's aggregate classification.